The following is an entry in ClinVar:

ClinVar aggregate classification (germline): Uncertain significance. Review status: criteria provided, multiple submitters, no conflicts (2 of 4 stars). 2 submissions from 2 submitters: Uncertain significance (2). Last evaluated 2023-03-24.

Conditions:
Inborn genetic diseases. Identifiers: MedGen C0950123, MeSH D030342.
Charcot-Marie-Tooth disease type 4. Also called: Charcot-Marie-Tooth, Type 4; Charcot-Marie-Tooth disease, type IV. Identifiers: Orphanet 64749, MedGen C4082197, MONDO:0018995.

Allele frequency attached by ClinVar (database versions not stated): gnomAD exomes below 0.00001 and 0.00001; ExAC 0.00001; gnomAD 0.00001; TOPMed 0.00003; 1000 Genomes Project 0.00020; 1000 Genomes Project 30x 0.00031.
gnomAD v4.1: 5 of 1,614,028 alleles (0.00031%); highest among the groups gnomAD compares: African/African-American, 0.0067%; no homozygotes.

Submissions (2):

Ambry Genetics
Classification: Uncertain significance for Inborn genetic diseases. Last evaluated: 2023-03-24. Review status: criteria provided, single submitter. Criteria: Ambry Variant Classification Scheme 2023. Collection method: clinical testing. Allele origin: germline.

Labcorp Genetics (formerly Invitae), Labcorp
Classification: Uncertain significance for Charcot-Marie-Tooth disease type 4. Last evaluated: 2021-07-06. Review status: criteria provided, single submitter. Criteria: Invitae Variant Classification Sherloc (09022015). Collection method: clinical testing. Allele origin: germline.
Comment: This variant is present in population databases (rs551852206, ExAC 0.01%). This variant has not been reported in the literature in individuals with NDRG1-related conditions. Algorithms developed to predict the effect of missense changes on protein structure and function (SIFT, PolyPhen-2, Align-GVGD) all suggest that this variant is likely to be tolerated, but these predictions have not been confirmed by published functional studies and their clinical significance is uncertain. In summary, the available evidence is currently insufficient to determine the role of this variant in disease. Therefore, it has been classified as a Variant of Uncertain Significance. This sequence change replaces valine with alanine at codon 13 of the NDRG1 protein (p.Val13Ala). The valine residue is moderately conserved and there is a small physicochemical difference between valine and alanine.

NM_006096.4(NDRG1):c.38T>C (p.Val13Ala)

Gene: NDRG1 (N-myc downstream regulated 1; minus strand). Cytogenetic location: 8q24.22.
Variant type: single nucleotide variant.
Coding change: c.38T>C on transcript NM_006096.4 (MANE Select); coding-DNA position 38, T replaced by C.
Protein change: p.Val13Ala; replaces valine 13 with alanine.
Molecular consequence: missense variant. On other transcripts: 5 prime UTR variant (1), intron variant (2).
Genome position (GRCh38, 1-based): chr8:133,284,274, A>G on the plus strand (T>C on the coding strand, the complement: NDRG1 is on the minus strand). VCF-style: chr8-133284274-A-G. GRCh37 (hg19) VCF-style: chr8-134296517-A-G.
Other names: c.38T>C (NM_006096.3); c.38T>C, p.Val13Ala (NM_001135242.2, NM_001374844.1, NM_001374845.1 and 1 more transcripts); c.-100T>C (NM_001258433.2); c.-100+12860T>C (NM_001258432.2); c.-135-4007T>C (NM_001374847.1); short protein forms V13A.
Identifiers: ClinVar variation 1349162 (VCV001349162.9), dbSNP rs551852206, ClinGen allele CA4886943.